The following is an entry in ClinVar:

NM_004415.4(DSP):c.5697C>G (p.Ile1899Met)

Gene: DSP (desmoplakin; plus strand). Cytogenetic location: 6p24.3.
Variant type: single nucleotide variant.
Coding change: c.5697C>G on transcript NM_004415.4 (MANE Select); coding-DNA position 5697, C replaced by G.
Protein change: p.Ile1899Met; replaces isoleucine 1899 with methionine.
Molecular consequence: missense variant.
Genome position (GRCh38, 1-based): chr6:7,582,959, C>G. VCF-style: chr6-7582959-C-G. GRCh37 (hg19) VCF-style: chr6-7583192-C-G.
Other names: c.3900C>G, p.Ile1300Met (NM_001008844.3); c.4368C>G, p.Ile1456Met (NM_001319034.2); short protein forms I1899M, I1300M, I1456M.
Identifiers: ClinVar variation 2145491 (VCV002145491.3), dbSNP rs879254348, ClinGen allele CA362689214.

ClinVar aggregate classification (germline): Uncertain significance. Review status: criteria provided, multiple submitters, no conflicts (2 of 4 stars). 2 submissions from 2 submitters: Uncertain significance (2). Last evaluated 2023-05-01.

Conditions:
Cardiovascular phenotype. Identifiers: MedGen CN230736.
Arrhythmogenic cardiomyopathy with wooly hair and keratoderma. Also called: PALMOPLANTAR KERATODERMA WITH LEFT VENTRICULAR CARDIOMYOPATHY AND WOOLLY HAIR; Carvajal syndrome; Dilated cardiomyopathy with woolly hair and keratoderma; Arrhythmogenic cardiomyopathy with woolly hair and keratoderma. Identifiers: Orphanet 65282, MedGen C1854063, MONDO:0011581, OMIM 605676.
Arrhythmogenic right ventricular dysplasia 8 (ARVD8). Also called: Arrhythmogenic Right Ventricular Dysplasia/Cardiomyopathy 8; ARRHYTHMOGENIC RIGHT VENTRICULAR DYSPLASIA, FAMILIAL, 8; ARRHYTHMOGENIC RIGHT VENTRICULAR CARDIOMYOPATHY 8. Identifiers: MedGen C1843896, MONDO:0011831, OMIM 607450.

gnomAD v4.1: 11 of 1,613,808 alleles (0.00068%); highest among the groups gnomAD compares: Non-Finnish European, 0.00093%; no homozygotes.

Submissions (2):

Ambry Genetics
Classification: Uncertain significance for Cardiovascular phenotype. Last evaluated: 2023-05-01. Review status: criteria provided, single submitter. Criteria: Ambry Variant Classification Scheme 2023. Collection method: clinical testing. Allele origin: germline.
Comment: The p.I1899M variant (also known as c.5697C>G), located in coding exon 24 of the DSP gene, results from a C to G substitution at nucleotide position 5697. The isoleucine at codon 1899 is replaced by methionine, an amino acid with highly similar properties. This amino acid position is conserved. In addition, the in silico prediction for this alteration is inconclusive. Since supporting evidence is limited at this time, the clinical significance of this alteration remains unclear.

Labcorp Genetics (formerly Invitae), Labcorp
Classification: Uncertain significance for Arrhythmogenic cardiomyopathy with wooly hair and keratoderma; Arrhythmogenic right ventricular dysplasia 8. Last evaluated: 2021-09-05. Review status: criteria provided, single submitter. Criteria: Invitae Variant Classification Sherloc (09022015). Collection method: clinical testing. Allele origin: germline.
Comment: This sequence change replaces isoleucine with methionine at codon 1899 of the DSP protein (p.Ile1899Met). The isoleucine residue is highly conserved and there is a small physicochemical difference between isoleucine and methionine. This variant is not present in population databases (ExAC no frequency). This variant has not been reported in the literature in individuals affected with DSP-related conditions. Algorithms developed to predict the effect of missense changes on protein structure and function are either unavailable or do not agree on the potential impact of this missense change (SIFT: "Deleterious"; PolyPhen-2: "Possibly Damaging"; Align-GVGD: "Class C0"). In summary, the available evidence is currently insufficient to determine the role of this variant in disease. Therefore, it has been classified as a Variant of Uncertain Significance.